The following is an entry in ClinVar:

NM_005909.5(MAP1B):c.235C>T (p.Leu79Phe)

Gene: MAP1B (microtubule associated protein 1B; plus strand). Cytogenetic location: 5q13.2.
Variant type: single nucleotide variant.
Coding change: c.235C>T on transcript NM_005909.5 (MANE Select); coding-DNA position 235, C replaced by T.
Protein change: p.Leu79Phe; replaces leucine 79 with phenylalanine.
Molecular consequence: missense variant.
Genome position (GRCh38, 1-based): chr5:72,115,748, C>T. VCF-style: chr5-72115748-C-T. GRCh37 (hg19) VCF-style: chr5-71411575-C-T.
Other names: short protein forms L79F.
Identifiers: ClinVar variation 2672180 (VCV002672180.1), dbSNP rs2478744481, ClinGen allele CA359989375.

ClinVar aggregate classification (germline): Uncertain significance (1 of 4 stars; one submission).

Conditions:
Periventricular nodular heterotopia 9. Identifiers: MedGen C5394503, MONDO:0030061, OMIM 618918.

Submission:

Clinical Genomics Laboratory, Washington University in St. Louis
Classification: Uncertain significance for Periventricular nodular heterotopia 9. Last evaluated: 2023-10-31. Review status: criteria provided, single submitter. Criteria: ACMG Guidelines, 2015. Collection method: clinical testing. Allele origin: germline.
Comment: The MAP1B c.235C>T (p.Leu79Phe) variant, to our knowledge, has not been reported in the medical literature and is absent from the general population (gnomAD v.2.1.1), indicating it is not a common variant. Computational predictors are uncertain as to the impact of this variant on MAP1B function. Due to limited information, and based on ACMG/AMP guidelines for variant interpretation (Richards S et al., PMID: 25741868), the clinical significance of this variant is uncertain at this time.